The following is an entry in ClinVar:

ClinVar aggregate classification (germline): Uncertain significance (1 of 4 stars; one submission).

Conditions:
Epileptic encephalopathy. Identifiers: MedGen C0543888, HP:0200134.

Allele frequency attached by ClinVar (database versions not stated): gnomAD exomes below 0.00001.

Submission:

Labcorp Genetics (formerly Invitae), Labcorp
Classification: Uncertain significance for Epileptic encephalopathy. Last evaluated: 2023-12-04. Review status: criteria provided, single submitter. Criteria: Invitae Variant Classification Sherloc (09022015). Collection method: clinical testing. Allele origin: germline.
Comment: This sequence change replaces isoleucine, which is neutral and non-polar, with threonine, which is neutral and polar, at codon 142 of the GABBR2 protein (p.Ile142Thr). This variant is not present in population databases (gnomAD no frequency). This variant has not been reported in the literature in individuals affected with GABBR2-related conditions. Advanced modeling of protein sequence and biophysical properties (such as structural, functional, and spatial information, amino acid conservation, physicochemical variation, residue mobility, and thermodynamic stability) performed at Invitae indicates that this missense variant is not expected to disrupt GABBR2 protein function with a negative predictive value of 80%. In summary, the available evidence is currently insufficient to determine the role of this variant in disease. Therefore, it has been classified as a Variant of Uncertain Significance.

NM_005458.8(GABBR2):c.425T>C (p.Ile142Thr)

Gene: GABBR2 (gamma-aminobutyric acid type B receptor subunit 2; minus strand). Cytogenetic location: 9q22.33.
Variant type: single nucleotide variant.
Coding change: c.425T>C on transcript NM_005458.8 (MANE Select); coding-DNA position 425, T replaced by C.
Protein change: p.Ile142Thr; replaces isoleucine 142 with threonine.
Molecular consequence: missense variant.
Genome position (GRCh38, 1-based): chr9:98,577,969, A>G on the plus strand (T>C on the coding strand, the complement: GABBR2 is on the minus strand). VCF-style: chr9-98577969-A-G. GRCh37 (hg19) VCF-style: chr9-101340251-A-G.
Other names: short protein forms I142T.
Identifiers: ClinVar variation 2700858 (VCV002700858.3), dbSNP rs2490139537, ClinGen allele CA374350033.
Genomic context (GRCh38, chr9:98,577,969, plus strand): 5'-ACAAAAGAAGGTAGCTCAGACCTTACCTGCACCAGATTCCAGCCTTGGAGGGACTCTGCA[A>G]TGATGGATGTGACGGATGGACAGACGCCTCCAAACACCATCAAGTGGTTAGGCCCGTATT-3'
Protein context (NP_005449.5, residues 132-152): GGVCPSVTSI[Ile142Thr]AESLQGWNLV